The following is an entry in ClinVar:

ClinVar aggregate classification (germline): Conflicting classifications of pathogenicity. Review status: criteria provided, conflicting classifications (1 of 4 stars). 4 submissions from 4 submitters: Pathogenic (3); Uncertain significance (1). Last evaluated 2025-10-23.

Conditions:
Glycogen storage disease, type I. Identifiers: Orphanet 364, MedGen C0017920, MONDO:0002413.
Glucose-6-phosphate transport defect (GSD1B). Also called: Glycogen Storage Disease Type Ib; GSD Ib. Identifiers: Orphanet 364, Orphanet 79259, MedGen C0268146, MONDO:0009288, OMIM 232220.

Submissions (4):

Myriad Genetics, Inc.
Classification: Pathogenic for Glycogen storage disease, type I. Last evaluated: 2025-10-23. Review status: criteria provided, single submitter. Criteria: Myriad Autosomal Dominant, Autosomal Recessive and X-Linked Classification Criteria (2023). Collection method: clinical testing. Allele origin: unknown.
Comment: NM_001164277.1(SLC37A4):c.343G>A(G115R) is a missense variant classified as pathogenic in the context of glycogen storage disease type Ib. G115R has been observed in cases with relevant disease (PMID: 40009380). Relevant functional assessments of this variant are not available in the literature. G115R has not been observed in referenced population frequency databases. In summary, NM_001164277.1(SLC37A4):c.343G>A(G115R) is a missense variant that has been observed more frequently in cases with the relevant disease than in healthy populations. Please note: this variant was assessed in the context of healthy population screening.

Natera, Inc.
Classification: Pathogenic for Glycogen storage disease type Ib. Last evaluated: 2025-09-05. Review status: criteria provided, single submitter. Criteria: Natera Variant Classification Schema (03/2026). Collection method: clinical testing. Allele origin: germline.
Comment: The c.343G>A variant in SLC37A4 is a missense variant predicted to cause substitution of glycine to arginine at amino acid 115. This variant is rare in the general population with a frequency below the threshold expected for the associated phenotype(s). This variant has been observed in one or more individuals affected with the associated recessive disease, as either homozygous or compound heterozygous with a second variant (PMID: 32772503, 38605407, 40009380). Additionally, this variant has been observed to segregate in affected family members (PMID: 40009380). Computational prediction algorithms indicate this variant is likely to affect gene or protein function. Given the available evidence, this variant is classified as Pathogenic.

Baylor Genetics
Classification: Pathogenic for Glucose-6-phosphate transport defect. Last evaluated: 2024-03-21. Review status: criteria provided, single submitter. Criteria: ACMG Guidelines, 2015. Collection method: clinical testing. Allele origin: unknown.

Women's Health and Genetics/Laboratory Corporation of America, LabCorp
Classification: Uncertain significance. Last evaluated: 2023-04-25. Review status: criteria provided, single submitter. Criteria: LabCorp Variant Classification Summary - May 2015. Collection method: clinical testing. Allele origin: germline.
Comment: Variant summary: SLC37A4 c.343G>A (p.Gly115Arg) results in a non-conservative amino acid change located in the Major facilitator superfamily domain (IPR020846) of the encoded protein sequence. Two of two in-silico tools predict a damaging effect of the variant on protein function. The variant was absent in 234176 control chromosomes (gnomAD). The available data on variant occurrences in the general population are insufficient to allow any conclusion about variant significance. c.343G>A has been reported in the literature in at least one compound heterozygous individual affected with Glycogen Storage Disease Type Ib (e.g. Liang_2020). These data do not allow any conclusion about variant significance. To our knowledge, no experimental evidence demonstrating an impact on protein function has been reported. The following publication has been ascertained in the context of this evaluation (PMID: 32772503). No clinical diagnostic laboratories have submitted clinical-significance assessments for this variant to ClinVar after 2014. Based on the evidence outlined above, the variant was classified as uncertain significance.

Literature cited by the submitters: PubMed 40009380 (cited by Myriad Genetics, Inc. and Natera, Inc.); PubMed 32772503 (cited by Natera, Inc. and Women's Health and Genetics/Laboratory Corporation of America, LabCorp); PubMed 38605407 (cited by Natera, Inc.).

NM_001164277.2(SLC37A4):c.343G>A (p.Gly115Arg)

Gene: SLC37A4 (solute carrier family 37 member 4; minus strand). Cytogenetic location: 11q23.3.
Variant type: single nucleotide variant.
Coding change: c.343G>A on transcript NM_001164277.2 (MANE Select); coding-DNA position 343, G replaced by A.
Protein change: p.Gly115Arg; replaces glycine 115 with arginine.
Molecular consequence: missense variant.
Genome position (GRCh38, 1-based): chr11:119,028,232, C>T on the plus strand (G>A on the coding strand, the complement: SLC37A4 is on the minus strand). VCF-style: chr11-119028232-C-T. GRCh37 (hg19) VCF-style: chr11-118898942-C-T.
Other names: c.343G>A, p.Gly115Arg (NM_001164278.2, NM_001164280.2, NM_001467.6); c.124G>A, p.Gly42Arg (NM_001164279.2); short protein forms G115R, G42R.
Identifiers: ClinVar variation 2503964 (VCV002503964.5), dbSNP rs2497032088, ClinGen allele CA382904676.